The following is an entry in ClinVar:

NM_001261826.3(AP3D1):c.2238G>A (p.Arg746=)

Gene: AP3D1 (adaptor related protein complex 3 subunit delta 1; minus strand). Cytogenetic location: 19p13.3.
Variant type: single nucleotide variant.
Coding change: c.2238G>A on transcript NM_001261826.3 (MANE Select); coding-DNA position 2238, G replaced by A.
Protein change: p.Arg746=; no amino-acid change (arginine 746 retained).
Molecular consequence: synonymous variant.
Genome position (GRCh38, 1-based): chr19:2,115,330, C>T on the plus strand (G>A on the coding strand, the complement: AP3D1 is on the minus strand). VCF-style: chr19-2115330-C-T. GRCh37 (hg19) VCF-style: chr19-2115329-C-T.
Other names: c.2238G>A, p.Arg746= (NM_001374799.1, NM_003938.8).
Identifiers: ClinVar variation 3354922 (VCV003354922.3).

ClinVar aggregate classification (germline): Likely benign. Review status: criteria provided, single submitter (1 of 4 stars). 2 submissions from 2 submitters: Likely benign (1). 1 of the submissions does not count toward it. Last evaluated 2024-07-15.

Conditions:
AP3D1-related disorder. Also called: AP3D1-related condition.

gnomAD v4.1: 4 of 1,610,702 alleles (0.00025%); highest among the groups gnomAD compares: East Asian, 0.0045%; no homozygotes.

Submissions (2):

Labcorp Genetics (formerly Invitae), Labcorp
Classification: Likely benign. Last evaluated: 2024-07-15. Review status: criteria provided, single submitter. Criteria: Invitae Variant Classification Sherloc (09022015). Collection method: clinical testing. Allele origin: germline.

PreventionGenetics, part of Exact Sciences
Classification: Likely benign for AP3D1-related condition. Last evaluated: 2019-09-25. Review status: no assertion criteria provided. Collection method: clinical testing. Allele origin: germline. Not counted in ClinVar's aggregate classification.
Comment: This variant is classified as likely benign based on ACMG/AMP sequence variant interpretation guidelines (Richards et al. 2015 PMID: 25741868, with internal and published modifications).